The following is an entry in ClinVar:

ClinVar aggregate classification (germline): Uncertain significance (1 of 4 stars; one submission).

Allele frequency attached by ClinVar (database versions not stated): gnomAD exomes 0.00001.
gnomAD v4.1: 18 of 1,614,120 alleles (0.0011%); highest among the groups gnomAD compares: Non-Finnish European, 0.0015%; no homozygotes.

Submission:

Labcorp Genetics (formerly Invitae), Labcorp
Classification: Uncertain significance. Last evaluated: 2023-12-14. Review status: criteria provided, single submitter. Criteria: Invitae Variant Classification Sherloc (09022015). Collection method: clinical testing. Allele origin: germline.
Comment: This sequence change replaces arginine, which is basic and polar, with histidine, which is basic and polar, at codon 1448 of the LCT protein (p.Arg1448His). This variant is not present in population databases (gnomAD no frequency). This variant has not been reported in the literature in individuals affected with LCT-related conditions. Advanced modeling of protein sequence and biophysical properties (such as structural, functional, and spatial information, amino acid conservation, physicochemical variation, residue mobility, and thermodynamic stability) performed at Invitae indicates that this missense variant is not expected to disrupt LCT protein function with a negative predictive value of 80%. In summary, the available evidence is currently insufficient to determine the role of this variant in disease. Therefore, it has been classified as a Variant of Uncertain Significance.

NM_002299.4(LCT):c.4343G>A (p.Arg1448His)

Gene: LCT (lactase; minus strand). Cytogenetic location: 2q21.3.
Variant type: single nucleotide variant.
Coding change: c.4343G>A on transcript NM_002299.4 (MANE Select); coding-DNA position 4343, G replaced by A.
Protein change: p.Arg1448His; replaces arginine 1448 with histidine.
Molecular consequence: missense variant.
Genome position (GRCh38, 1-based): chr2:135,804,888, C>T on the plus strand (G>A on the coding strand, the complement: LCT is on the minus strand). VCF-style: chr2-135804888-C-T. GRCh37 (hg19) VCF-style: chr2-136562458-C-T.
Other names: short protein forms R1448H.
Identifiers: ClinVar variation 2875025 (VCV002875025.1), dbSNP rs2467501295, ClinGen allele CA348596031.